The following is an entry in ClinVar:

ClinVar aggregate classification (germline): Uncertain significance (1 of 4 stars; one submission).

Conditions:
Neuropathy, hereditary sensory and autonomic, type 2A (HSAN2A). Also called: ACROOSTEOLYSIS, GIACCAI TYPE; ACROOSTEOLYSIS, NEUROGENIC; MORVAN DISEASE; NEUROPATHY, CONGENITAL SENSORY; NEUROPATHY, HEREDITARY SENSORY RADICULAR, AUTOSOMAL RECESSIVE; NEUROPATHY, HEREDITARY SENSORY, TYPE IIA. Identifiers: Orphanet 970, MedGen C2752089, MONDO:0024309, OMIM 201300.
Pseudohypoaldosteronism type 2C (PHA2C). Also called: Pseudohypoaldosteronism Type IIC. Identifiers: Orphanet 757, Orphanet 88940, MedGen C1840391, MONDO:0013778, OMIM 614492.

Submission:

Labcorp Genetics (formerly Invitae), Labcorp
Classification: Uncertain significance for Neuropathy, hereditary sensory and autonomic, type 2A; Pseudohypoaldosteronism type 2C. Last evaluated: 2022-10-05. Review status: criteria provided, single submitter. Criteria: Invitae Variant Classification Sherloc (09022015). Collection method: clinical testing. Allele origin: germline.
Comment: This variant is not present in population databases (gnomAD no frequency). This variant has not been reported in the literature in individuals affected with WNK1-related conditions. Advanced modeling of protein sequence and biophysical properties (such as structural, functional, and spatial information, amino acid conservation, physicochemical variation, residue mobility, and thermodynamic stability) performed at Invitae indicates that this missense variant is not expected to disrupt WNK1 protein function. In summary, the available evidence is currently insufficient to determine the role of this variant in disease. Therefore, it has been classified as a Variant of Uncertain Significance. This sequence change replaces serine, which is neutral and polar, with arginine, which is basic and polar, at codon 719 of the WNK1 protein (p.Ser719Arg).

NM_213655.5(WNK1):c.2157C>G (p.Ser719Arg)

Gene: WNK1 (WNK lysine deficient protein kinase 1; plus strand). Cytogenetic location: 12p13.33.
Variant type: single nucleotide variant.
Coding change: c.2157C>G on transcript NM_213655.5 (MANE Plus Clinical); coding-DNA position 2157, C replaced by G.
Protein change: p.Ser719Arg; replaces serine 719 with arginine.
Molecular consequence: missense variant. On other transcripts: intron variant (3).
Genome position (GRCh38, 1-based): chr12:865,127, C>G. VCF-style: chr12-865127-C-G. GRCh37 (hg19) VCF-style: chr12-974293-C-G.
Other names: c.2140-2739C>G (NM_001184985.2); c.2139+2857C>G (NM_018979.4, NM_014823.3); short protein forms S719R.
Identifiers: ClinVar variation 2054689 (VCV002054689.4), dbSNP rs2548721411, ClinGen allele CA383337484.